The following is an entry in ClinVar:

NM_001244008.2(KIF1A):c.4975G>C (p.Glu1659Gln)

Gene: KIF1A (kinesin family member 1A; minus strand). Cytogenetic location: 2q37.3.
Variant type: single nucleotide variant.
Coding change: c.4975G>C on transcript NM_001244008.2 (MANE Select); coding-DNA position 4975, G replaced by C.
Protein change: p.Glu1659Gln; replaces glutamic acid 1659 with glutamine.
Molecular consequence: missense variant.
Genome position (GRCh38, 1-based): chr2:240,719,820, C>G on the plus strand (G>C on the coding strand, the complement: KIF1A is on the minus strand). VCF-style: chr2-240719820-C-G. GRCh37 (hg19) VCF-style: chr2-241659237-C-G.
Other names: c.4699G>C, p.Glu1567Gln (NM_001320705.2, NM_001379649.1); c.4726G>C, p.Glu1576Gln (NM_001330289.2); c.4774G>C, p.Glu1592Gln (NM_001330290.2, NM_001379648.1); c.5050G>C, p.Glu1684Gln (NM_001379631.1); c.4951G>C, p.Glu1651Gln (NM_001379632.1); c.4948G>C, p.Glu1650Gln (NM_001379633.1, NM_001379645.1); c.4801G>C, p.Glu1601Gln (NM_001379634.1); c.4798G>C, p.Glu1600Gln (NM_001379635.1, NM_001379646.1); and 7 more; short protein forms E1557Q, E1566Q, E1596Q, E1651Q, E1567Q, E1684Q, E1558Q, E1576Q.
Identifiers: ClinVar variation 2163446 (VCV002163446.5), dbSNP rs764970503, ClinGen allele CA68133936.
Genomic context (GRCh38, chr2:240,719,820, plus strand): 5'-GAGGCCCCACACACCTGACTCGGATCTCCTGGATGTCAGGGACCAGCAGGCGCTGGGGCT[C>G]CTTGTCTGTCTCTGTTGCCCGGGCAGGGGAAGGGAGCTTCTTGGAGTCGGCCTCTGGCAG-3'
Protein context (NP_001230937.1, residues 1649-1669): SPARATETDK[Glu1659Gln]PQRLLVPDIQ

ClinVar aggregate classification (germline): Uncertain significance. Review status: criteria provided, multiple submitters, no conflicts (2 of 4 stars). 2 submissions from 2 submitters: Uncertain significance (2). Last evaluated 2025-05-08.

Conditions:
Hereditary spastic paraplegia 30. Identifiers: Orphanet 101010, MedGen C5235139, MONDO:0012476.
Neuropathy, hereditary sensory, type 2C. Also called: Hereditary sensory and autonomic neuropathy type IIC; KIF1A-Related HSAN2 (HSAN2C). Identifiers: Orphanet 970, MedGen C3280168, MONDO:0013634, OMIM 614213.
Intellectual disability, autosomal dominant 9 (NESCAVS). Also called: NESCAV SYNDROME; KIF1A-Related Neurodevelopmental Disorder. Identifiers: Orphanet 662367, MedGen C5393830, MONDO:0013656, OMIM 614255.

gnomAD v4.1: 5 of 1,609,952 alleles (0.00031%); highest among the groups gnomAD compares: Non-Finnish European, 0.00017%; no homozygotes.

Submissions (2):

Women's Health and Genetics/Laboratory Corporation of America, LabCorp
Classification: Uncertain significance. Last evaluated: 2025-05-08. Review status: criteria provided, single submitter. Criteria: LabCorp Variant Classification Summary - May 2015. Collection method: clinical testing. Allele origin: germline.
Comment: Variant summary: KIF1A c.4672G>C (p.Glu1558Gln) results in a conservative amino acid change in the encoded protein sequence. Algorithms developed to predict the effect of missense changes on protein structure and function all suggest that this variant is likely to be tolerated. The variant was absent in 243294 control chromosomes. The available data on variant occurrences in the general population are insufficient to allow any conclusion about variant significance. To our knowledge, no occurrence of c.4672G>C in individuals affected with Neuropathy, hereditary sensory, type 2C and no experimental evidence demonstrating its impact on protein function have been reported. ClinVar contains an entry for this variant (Variation ID: 2163446). Based on the evidence outlined above, the variant was classified as uncertain significance.

Labcorp Genetics (formerly Invitae), Labcorp
Classification: Uncertain significance for Hereditary spastic paraplegia 30; Neuropathy, hereditary sensory, type 2C; Intellectual disability, autosomal dominant 9. Last evaluated: 2025-03-03. Review status: criteria provided, single submitter. Criteria: Invitae Variant Classification Sherloc (09022015). Collection method: clinical testing. Allele origin: germline.
Comment: This sequence change replaces glutamic acid, which is acidic and polar, with glutamine, which is neutral and polar, at codon 1558 of the KIF1A protein (p.Glu1558Gln). This variant is not present in population databases (gnomAD no frequency). This variant has not been reported in the literature in individuals affected with KIF1A-related conditions. ClinVar contains an entry for this variant (Variation ID: 2163446). Invitae Evidence Modeling of protein sequence and biophysical properties (such as structural, functional, and spatial information, amino acid conservation, physicochemical variation, residue mobility, and thermodynamic stability) indicates that this missense variant is not expected to disrupt KIF1A protein function with a negative predictive value of 95%. In summary, the available evidence is currently insufficient to determine the role of this variant in disease. Therefore, it has been classified as a Variant of Uncertain Significance.